The following is an entry in ClinVar:

ClinVar aggregate classification (germline): Uncertain significance. Review status: criteria provided, multiple submitters, no conflicts (2 of 4 stars). 2 submissions from 2 submitters: Uncertain significance (2). Last evaluated 2025-12-15.

Conditions:
Ataxia-telangiectasia syndrome (AT). Also called: Ataxia-telangiectasia, complementation group D; AT, COMPLEMENTATION GROUP C; ATAXIA-TELANGIECTASIA, COMPLEMENTATION GROUP A; ATAXIA-TELANGIECTASIA, FRESNO VARIANT; Ataxia-telangiectasia; Ataxia-telangiectasia, complementation group E. Identifiers: Orphanet 100, MedGen C0004135, MONDO:0008840, OMIM 208900.
Hereditary cancer-predisposing syndrome. Also called: Neoplastic Syndromes, Hereditary; Tumor predisposition; Hereditary Cancer Syndrome; Hereditary neoplastic syndrome. Identifiers: Orphanet 140162, MedGen C0027672, MeSH D009386, MONDO:0015356.

Submissions (2):

Ambry Genetics
Classification: Uncertain significance for Hereditary cancer-predisposing syndrome. Last evaluated: 2025-12-15. Review status: criteria provided, single submitter. Criteria: Ambry Variant Classification Scheme 2023. Collection method: clinical testing. Allele origin: germline.
Comment: The p.L2492I variant (also known as c.7474C>A), located in coding exon 49 of the ATM gene, results from a C to A substitution at nucleotide position 7474. The leucine at codon 2492 is replaced by isoleucine, an amino acid with highly similar properties. This amino acid position is conserved. In addition, the in silico prediction for this alteration is inconclusive. Based on the available evidence, the clinical significance of this variant remains unclear.

Labcorp Genetics (formerly Invitae), Labcorp
Classification: Uncertain significance for Ataxia-telangiectasia syndrome. Last evaluated: 2025-02-11. Review status: criteria provided, single submitter. Criteria: Invitae Variant Classification Sherloc (09022015). Collection method: clinical testing. Allele origin: germline.
Comment: This sequence change replaces leucine, which is neutral and non-polar, with isoleucine, which is neutral and non-polar, at codon 2492 of the ATM protein (p.Leu2492Ile). This variant is not present in population databases (gnomAD no frequency). This variant has not been reported in the literature in individuals affected with ATM-related conditions. Invitae Evidence Modeling of protein sequence and biophysical properties (such as structural, functional, and spatial information, amino acid conservation, physicochemical variation, residue mobility, and thermodynamic stability) has been performed for this missense variant. However, the output from this modeling did not meet the statistical confidence thresholds required to predict the impact of this variant on ATM protein function. In summary, the available evidence is currently insufficient to determine the role of this variant in disease. Therefore, it has been classified as a Variant of Uncertain Significance.

NM_000051.4(ATM):c.7474C>A (p.Leu2492Ile)

Genes: ATM (ATM serine/threonine kinase; plus strand), C11orf65 (chromosome 11 open reading frame 65; minus strand). Cytogenetic location: 11q22.3.
Variant type: single nucleotide variant.
Coding change: c.7474C>A on transcript NM_000051.4 (MANE Select); coding-DNA position 7474, C replaced by A.
Protein change: p.Leu2492Ile; replaces leucine 2492 with isoleucine.
Molecular consequence: missense variant. On other transcripts: intron variant (2).
Genome position (GRCh38, 1-based): chr11:108,330,380, C>A. VCF-style: chr11-108330380-C-A. GRCh37 (hg19) VCF-style: chr11-108201107-C-A.
Other names: c.7474C>A, p.Leu2492Ile (NM_001351834.2); c.641-21309G>T (NM_001330368.2); c.*38+4840G>T (NM_001351110.2); short protein forms L2492I.
Identifiers: ClinVar variation 3654827 (VCV003654827.3).
Genomic context (GRCh38, chr11:108,330,380, plus strand): 5'-AACTGCTTATTAAGTGGAGAAGAACATGATATGTGGGTATTCCGACTTTGTTCCCTCTGG[C>A]TTGAAAATTCTGGAGTTTCTGAAGTCAATGGCATGATGAAGGCAAGTGTTACTCAGCCCA-3'
Protein context (NP_000042.3, residues 2482-2502): MWVFRLCSLW[Leu2492Ile]ENSGVSEVNG